The following is an entry in ClinVar:

ClinVar aggregate classification (germline): Uncertain significance (1 of 4 stars; one submission).

Conditions:
Familial cold autoinflammatory syndrome 3 (FCAS3). Also called: FAMILIAL ATYPICAL COLD URTICARIA; ANTIBODY DEFICIENCY AND IMMUNE DYSREGULATION, PLCG2-ASSOCIATED. Identifiers: Orphanet 300359, MedGen C3280914, MONDO:0013766, OMIM 614468.

Allele frequency attached by ClinVar (database versions not stated): gnomAD exomes below 0.00001.
gnomAD v4.1: 1 of 1,612,992 alleles (0.000062%); highest among the groups gnomAD compares: Non-Finnish European, 0.000085%; no homozygotes.

Submission:

Labcorp Genetics (formerly Invitae), Labcorp
Classification: Uncertain significance for Familial cold autoinflammatory syndrome 3. Last evaluated: 2023-07-31. Review status: criteria provided, single submitter. Criteria: Invitae Variant Classification Sherloc (09022015). Collection method: clinical testing. Allele origin: germline.
Comment: In summary, the available evidence is currently insufficient to determine the role of this variant in disease. Therefore, it has been classified as a Variant of Uncertain Significance. An algorithm developed to predict the effect of missense changes on protein structure and function (PolyPhen-2) suggests that this variant is likely to be disruptive. This variant has not been reported in the literature in individuals affected with PLCG2-related conditions. This variant is not present in population databases (gnomAD no frequency). This sequence change replaces valine, which is neutral and non-polar, with alanine, which is neutral and non-polar, at codon 309 of the PLCG2 protein (p.Val309Ala).

NM_002661.5(PLCG2):c.926T>C (p.Val309Ala)

Gene: PLCG2 (phospholipase C gamma 2; plus strand). Cytogenetic location: 16q23.3.
Variant type: single nucleotide variant.
Coding change: c.926T>C on transcript NM_002661.5 (MANE Select); coding-DNA position 926, T replaced by C.
Protein change: p.Val309Ala; replaces valine 309 with alanine.
Molecular consequence: missense variant.
Genome position (GRCh38, 1-based): chr16:81,891,530, T>C. VCF-style: chr16-81891530-T-C. GRCh37 (hg19) VCF-style: chr16-81925135-T-C.
Other names: c.926T>C, p.Val309Ala (NM_001425749.1, NM_001425750.1, NM_001425751.1); short protein forms V309A.
Identifiers: ClinVar variation 2805331 (VCV002805331.3), dbSNP rs2507618925, ClinGen allele CA396898002.